The following is an entry in ClinVar:

NM_153704.6(TMEM67):c.601A>G (p.Thr201Ala)

Gene: TMEM67 (transmembrane protein 67; plus strand). Cytogenetic location: 8q22.1.
Variant type: single nucleotide variant.
Coding change: c.601A>G on transcript NM_153704.6 (MANE Select); coding-DNA position 601, A replaced by G.
Protein change: p.Thr201Ala; replaces threonine 201 with alanine.
Molecular consequence: missense variant. On other transcripts: non-coding transcript variant (1).
Genome position (GRCh38, 1-based): chr8:93,765,596, A>G. VCF-style: chr8-93765596-A-G. GRCh37 (hg19) VCF-style: chr8-94777824-A-G.
Other names: c.358A>G, p.Thr120Ala (NM_001142301.1); c.601A>G (NM_153704.5); short protein forms T120A, T201A.
Identifiers: ClinVar variation 1484173 (VCV001484173.9), dbSNP rs771031546, ClinGen allele CA4807719.
Genomic context (GRCh38, chr8:93,765,596, plus strand): 5'-ATAAGCTTCTATTTTTTCCCTCATTTATTTATGAAGACAGGGGGATTATGTTTCAGCAGC[A>G]CAGGGAATTTTCCTCTACGTAGAATTTCAGCTGCACGTTATGGAGAAGTTGTGAGTATGT-3'
Protein context (NP_714915.3, residues 191-211): ILTGGLCFSS[Thr201Ala]GNFPLRRISA

ClinVar aggregate classification (germline): Uncertain significance. Review status: criteria provided, multiple submitters, no conflicts (2 of 4 stars). 2 submissions from 2 submitters: Uncertain significance (2). Last evaluated 2025-04-21.

Conditions:
Inborn genetic diseases. Identifiers: MedGen C0950123, MeSH D030342.
Meckel-Gruber syndrome. Also called: DYSENCEPHALIA SPLANCHNOCYSTICA; GRUBER SYNDROME; Dysencephalia splachnocystica. Identifiers: Orphanet 564, MedGen C0265215, MONDO:0018921.
Joubert syndrome. Also called: CEREBELLOPARENCHYMAL DISORDER IV; JOUBERT-BOLTSHAUSER SYNDROME; Familial aplasia of the vermis. Identifiers: Orphanet 475, MedGen C5979921, MONDO:0018772.

Allele frequency attached by ClinVar (database versions not stated): gnomAD exomes below 0.00001; ExAC 0.00001; gnomAD 0.00001.
gnomAD v4.1: 1 of 1,613,278 alleles (0.000062%); highest among the groups gnomAD compares: Admixed American, 0.0017%; no homozygotes.

Submissions (2):

Ambry Genetics
Classification: Uncertain significance for Inborn genetic diseases. Last evaluated: 2025-04-21. Review status: criteria provided, single submitter. Criteria: Ambry Variant Classification Scheme 2023. Collection method: clinical testing. Allele origin: germline.

Labcorp Genetics (formerly Invitae), Labcorp
Classification: Uncertain significance for Joubert syndrome; Meckel-Gruber syndrome. Last evaluated: 2021-03-10. Review status: criteria provided, single submitter. Criteria: Invitae Variant Classification Sherloc (09022015). Collection method: clinical testing. Allele origin: germline.
Comment: In summary, the available evidence is currently insufficient to determine the role of this variant in disease. Therefore, it has been classified as a Variant of Uncertain Significance. Advanced modeling of protein sequence and biophysical properties (such as structural, functional, and spatial information, amino acid conservation, physicochemical variation, residue mobility, and thermodynamic stability) performed at Invitae indicates that this missense variant is not expected to disrupt TMEM67 protein function. This variant has not been reported in the literature in individuals with TMEM67-related conditions. This variant is present in population databases (rs771031546, ExAC 0.009%). This sequence change replaces threonine with alanine at codon 201 of the TMEM67 protein (p.Thr201Ala). The threonine residue is weakly conserved and there is a small physicochemical difference between threonine and alanine.